The following is an entry in ClinVar:

NM_033380.3(COL4A5):c.90T>G (p.Tyr30Ter)

Gene: COL4A5 (collagen type IV alpha 5 chain; plus strand). Cytogenetic location: Xq22.3.
Variant type: single nucleotide variant.
Coding change: c.90T>G on transcript NM_033380.3 (MANE Select); coding-DNA position 90, T replaced by G.
Protein change: p.Tyr30Ter; replaces tyrosine 30 with a stop codon.
Molecular consequence: nonsense.
Genome position (GRCh38, 1-based): chrX:108,539,754, T>G. VCF-style: chrX-108539754-T-G. GRCh37 (hg19) VCF-style: chrX-107782984-T-G.
Other names: c.90T>G, p.Tyr30Ter (NM_000495.5); short protein forms Y30*.
Identifiers: ClinVar variation 24239 (VCV000024239.12), dbSNP rs104886047, ClinGen allele CA258207.

ClinVar aggregate classification (germline): Pathogenic. Review status: criteria provided, multiple submitters, no conflicts (2 of 4 stars). 3 submissions from 3 submitters: Pathogenic (3). Last evaluated 2025-07-14.

Conditions:
COL4A5-related disorders.
X-linked Alport syndrome (ATS1). Also called: COL4A5-Related Nephropathy; NEPHROPATHY AND DEAFNESS, X-LINKED. Identifiers: Orphanet 63, Orphanet 88917, MedGen C4746986, MONDO:0010520, OMIM 301050.

Submissions (3):

Labcorp Genetics (formerly Invitae), Labcorp
Classification: Pathogenic. Last evaluated: 2025-07-14. Review status: criteria provided, single submitter. Criteria: Invitae Variant Classification Sherloc (09022015). Collection method: clinical testing. Allele origin: germline.
Comment: This sequence change creates a premature translational stop signal (p.Tyr30*) in the COL4A5 gene. It is expected to result in an absent or disrupted protein product. Loss-of-function variants in COL4A5 are known to be pathogenic (PMID: 9195222, 10752524, 14514738, 24854265, 26809805). This variant is not present in population databases (gnomAD no frequency). This premature translational stop signal has been observed in individual(s) with Alport syndrome (PMID: 10862091). ClinVar contains an entry for this variant (Variation ID: 24239). For these reasons, this variant has been classified as Pathogenic.

Fulgent Genetics
Classification: Pathogenic for X-linked Alport syndrome. Last evaluated: 2024-05-18. Review status: criteria provided, single submitter. Criteria: ACMG Guidelines, 2015. Collection method: clinical testing. Allele origin: germline.

Blueprint Genetics
Classification: Pathogenic for COL4A5-related disorders. Last evaluated: 2022-05-17. Review status: criteria provided, single submitter. Criteria: ACMG Guidelines, 2015. Collection method: clinical testing. Allele origin: germline. Affected: yes. Observed: 1 variant allele.

Literature cited by the submitters: PubMed 9195222 (cited by Labcorp Genetics (formerly Invitae), Labcorp); PubMed 10752524 (cited by Labcorp Genetics (formerly Invitae), Labcorp); PubMed 14514738 (cited by Labcorp Genetics (formerly Invitae), Labcorp); PubMed 24854265 (cited by Labcorp Genetics (formerly Invitae), Labcorp); PubMed 26809805 (cited by Labcorp Genetics (formerly Invitae), Labcorp); PubMed 10862091 (cited by Labcorp Genetics (formerly Invitae), Labcorp).